The following is an entry in ClinVar:

ClinVar aggregate classification (germline): Uncertain significance (1 of 4 stars; one submission).

Conditions:
KATNAL2-related disorder. Also called: KATNAL2-related condition.

Allele frequency attached by ClinVar (database versions not stated): gnomAD exomes below 0.00001; TOPMed below 0.00001.
gnomAD v4.1: 3 of 1,585,338 alleles (0.00019%); highest among the groups gnomAD compares: Admixed American, 0.0054%; no homozygotes.

Submission:

PreventionGenetics, part of Exact Sciences
Classification: Uncertain significance for KATNAL2-related condition. Last evaluated: 2023-08-10. Review status: criteria provided, single submitter. Criteria: ACMG Guidelines, 2015. Collection method: clinical testing. Allele origin: germline.
Comment: The KATNAL2 c.73+3A>G variant is predicted to interfere with splicing. To our knowledge, this variant has not been reported in the literature or in a large population database, indicating this variant is rare. Splicing prediction software suggests this variant may weaken adjacent donor splice site (-23%; Alamut Visual Plus 1.6.1). At this time, the clinical significance of this variant is uncertain due to the absence of conclusive functional and genetic evidence.

NM_001387690.1(KATNAL2):c.289+3A>G

Gene: KATNAL2 (katanin catalytic subunit A1 like 2; plus strand). Cytogenetic location: 18q21.1.
Variant type: single nucleotide variant.
Coding change: c.289+3A>G on transcript NM_001387690.1 (MANE Select); 3 bases into the intron after coding-DNA position 289, A replaced by G.
Molecular consequence: intron variant.
Genome position (GRCh38, 1-based): chr18:47,053,049, A>G. VCF-style: chr18-47053049-A-G. GRCh37 (hg19) VCF-style: chr18-44579420-A-G.
Other names: c.-1-5186A>G (NM_001353904.1, NM_001353903.1, NM_001353907.1 and 3 more transcripts); c.367+3A>G (NM_001353899.1, NM_001353900.1, NM_001353902.1); c.289+3A>G (NM_001353901.1, NM_001367621.1); c.-57+3A>G (NM_001353905.1); c.73+3A>G (NM_031303.3).
Identifiers: ClinVar variation 2634049 (VCV002634049.1), dbSNP rs2061379420, ClinGen allele CA2301089887.